The following is an entry in ClinVar:

NM_002317.7(LOX):c.959A>C (p.Lys320Thr)

Genes: LOX (lysyl oxidase; minus strand), SRFBP1 (serum response factor binding protein 1; plus strand). Cytogenetic location: 5q23.1.
Variant type: single nucleotide variant.
Coding change: c.959A>C on transcript NM_002317.7 (MANE Select); coding-DNA position 959, A replaced by C.
Protein change: p.Lys320Thr; replaces lysine 320 with threonine.
Molecular consequence: missense variant.
Genome position (GRCh38, 1-based): chr5:122,074,089, T>G on the plus strand (A>C on the coding strand, the complement: LOX is on the minus strand). VCF-style: chr5-122074089-T-G. GRCh37 (hg19) VCF-style: chr5-121409784-T-G.
Other names: c.269A>C, p.Lys90Thr (NM_001178102.2); c.68A>C, p.Lys23Thr (NM_001317073.1); short protein forms K90T, K23T, K320T.
Identifiers: ClinVar variation 2864760 (VCV002864760.4), dbSNP rs2532908336, ClinGen allele CA360881617.

ClinVar aggregate classification (germline): Uncertain significance. Review status: criteria provided, multiple submitters, no conflicts (2 of 4 stars). 2 submissions from 2 submitters: Uncertain significance (2). Last evaluated 2024-11-11.

Submissions (2):

Women's Health and Genetics/Laboratory Corporation of America, LabCorp
Classification: Uncertain significance. Last evaluated: 2024-11-11. Review status: criteria provided, single submitter. Criteria: LabCorp Variant Classification Summary - May 2015. Collection method: clinical testing. Allele origin: germline.
Comment: Variant summary: LOX c.959A>C (p.Lys320Thr) results in a non-conservative amino acid change in the encoded protein sequence. Four of five in-silico tools predict a damaging effect of the variant on protein function. The variant was absent in 251478 control chromosomes. The available data on variant occurrences in the general population are insufficient to allow any conclusion about variant significance. To our knowledge, no occurrence of c.959A>C in individuals affected with Aortopathy and no experimental evidence demonstrating its impact on protein function have been reported. ClinVar contains an entry for this variant (Variation ID: 2864760). Based on the evidence outlined above, the variant was classified as uncertain significance.

Labcorp Genetics (formerly Invitae), Labcorp
Classification: Uncertain significance. Last evaluated: 2023-05-16. Review status: criteria provided, single submitter. Criteria: Invitae Variant Classification Sherloc (09022015). Collection method: clinical testing. Allele origin: germline.
Comment: This sequence change replaces lysine, which is basic and polar, with threonine, which is neutral and polar, at codon 320 of the LOX protein (p.Lys320Thr). This variant is not present in population databases (gnomAD no frequency). This variant has not been reported in the literature in individuals affected with LOX-related conditions. Advanced modeling of protein sequence and biophysical properties (such as structural, functional, and spatial information, amino acid conservation, physicochemical variation, residue mobility, and thermodynamic stability) has been performed at Invitae for this missense variant, however the output from this modeling did not meet the statistical confidence thresholds required to predict the impact of this variant on LOX protein function. In summary, the available evidence is currently insufficient to determine the role of this variant in disease. Therefore, it has been classified as a Variant of Uncertain Significance.